The following is an entry in ClinVar:

NM_177438.3(DICER1):c.1853C>G (p.Pro618Arg)

Gene: DICER1 (dicer 1, ribonuclease III; minus strand). Cytogenetic location: 14q32.13.
Variant type: single nucleotide variant.
Coding change: c.1853C>G on transcript NM_177438.3 (MANE Select); coding-DNA position 1853, C replaced by G.
Protein change: p.Pro618Arg; replaces proline 618 with arginine.
Molecular consequence: missense variant.
Genome position (GRCh38, 1-based): chr14:95,115,721, G>C on the plus strand (C>G on the coding strand, the complement: DICER1 is on the minus strand). VCF-style: chr14-95115721-G-C. GRCh37 (hg19) VCF-style: chr14-95582058-G-C.
Other names: c.1853C>G, p.Pro618Arg (NM_001195573.1, NM_001271282.3, NM_001291628.2 and 1 more transcripts); short protein forms P618R.
Identifiers: ClinVar variation 543629 (VCV000543629.11), dbSNP rs1555372566, ClinGen allele CA390883987.

ClinVar aggregate classification (germline): Uncertain significance. Review status: criteria provided, multiple submitters, no conflicts (2 of 4 stars). 2 submissions from 2 submitters: Uncertain significance (2). Last evaluated 2024-06-05.

Conditions:
Hereditary cancer-predisposing syndrome. Also called: Neoplastic Syndromes, Hereditary; Tumor predisposition; Hereditary Cancer Syndrome; Hereditary neoplastic syndrome. Identifiers: Orphanet 140162, MedGen C0027672, MeSH D009386, MONDO:0015356.
DICER1-related tumor predisposition. Also called: DICER1-related pleuropulmonary blastoma cancer predisposition syndrome; DICER1 syndrome. Identifiers: Orphanet 284343, MedGen C3839822, MONDO:0100216.

Allele frequency attached by ClinVar (database versions not stated): gnomAD exomes 0.00001.
gnomAD v4.1: 9 of 1,614,058 alleles (0.00056%); highest among the groups gnomAD compares: Non-Finnish European, 0.00076%; no homozygotes.

Submissions (2):

Ambry Genetics
Classification: Uncertain significance for Hereditary cancer-predisposing syndrome. Last evaluated: 2024-06-05. Review status: criteria provided, single submitter. Criteria: Ambry Variant Classification Scheme 2023. Collection method: clinical testing. Allele origin: germline.
Comment: The p.P618R variant (also known as c.1853C>G), located in coding exon 10 of the DICER1 gene, results from a C to G substitution at nucleotide position 1853. The proline at codon 618 is replaced by arginine, an amino acid with dissimilar properties. This amino acid position is conserved. In addition, this alteration is predicted to be tolerated by in silico analysis. Based on the available evidence, the clinical significance of this variant remains unclear.

Labcorp Genetics (formerly Invitae), Labcorp
Classification: Uncertain significance for DICER1-related tumor predisposition. Last evaluated: 2022-11-22. Review status: criteria provided, single submitter. Criteria: Invitae Variant Classification Sherloc (09022015). Collection method: clinical testing. Allele origin: germline.
Comment: This sequence change replaces proline, which is neutral and non-polar, with arginine, which is basic and polar, at codon 618 of the DICER1 protein (p.Pro618Arg). This variant is not present in population databases (gnomAD no frequency). In summary, the available evidence is currently insufficient to determine the role of this variant in disease. Therefore, it has been classified as a Variant of Uncertain Significance. Advanced modeling of protein sequence and biophysical properties (such as structural, functional, and spatial information, amino acid conservation, physicochemical variation, residue mobility, and thermodynamic stability) performed at Invitae indicates that this missense variant is not expected to disrupt DICER1 protein function. ClinVar contains an entry for this variant (Variation ID: 543629). This variant has not been reported in the literature in individuals affected with DICER1-related conditions.